The following is an entry in ClinVar:

ClinVar aggregate classification (germline): Pathogenic (1 of 4 stars; one submission).

Conditions:
Polyglandular autoimmune syndrome, type 1 (APS1). Also called: APS I; HYPOADRENOCORTICISM WITH HYPOPARATHYROIDISM AND SUPERFICIAL MONILIASIS; Autoimmune polyendocrinopathy syndrome, type I; PGA I; Autoimmune polyendocrinopathy syndrome , type I, with or without reversible metaphyseal dysplasia; Autoimmune polyendocrine syndrome type 1. Identifiers: Orphanet 3453, MedGen C0085859, MONDO:0009411, OMIM 240300.

gnomAD v4.1: 1 of 1,612,824 alleles (0.000062%); highest among the groups gnomAD compares: African/African-American, 0.0013%; no homozygotes.

Submission:

Labcorp Genetics (formerly Invitae), Labcorp
Classification: Pathogenic for Polyglandular autoimmune syndrome, type 1. Last evaluated: 2026-01-24. Review status: criteria provided, single submitter. Criteria: Invitae Variant Classification Sherloc (09022015). Collection method: clinical testing. Allele origin: germline.
Comment: This sequence change creates a premature translational stop signal (p.Glu237*) in the AIRE gene. It is expected to result in an absent or disrupted protein product. Loss-of-function variants in AIRE are known to be pathogenic (PMID: 11524731, 26141571). This variant is present in population databases (no rsID available, gnomAD 0.007%). This variant has not been reported in the literature in individuals affected with AIRE-related conditions. ClinVar contains an entry for this variant (Variation ID: 2989472). Algorithms developed to predict the effect of sequence changes on RNA splicing suggest that this variant may disrupt the consensus splice site. For these reasons, this variant has been classified as Pathogenic.

Literature cited by the submitters: PubMed 11524731; PubMed 26141571.

NM_000383.4(AIRE):c.709G>T (p.Glu237Ter)

Gene: AIRE (autoimmune regulator; plus strand). Cytogenetic location: 21q22.3.
Variant type: single nucleotide variant.
Coding change: c.709G>T on transcript NM_000383.4 (MANE Select); coding-DNA position 709, G replaced by T.
Protein change: p.Glu237Ter; replaces glutamic acid 237 with a stop codon.
Molecular consequence: nonsense.
Genome position (GRCh38, 1-based): chr21:44,289,713, G>T. VCF-style: chr21-44289713-G-T. GRCh37 (hg19) VCF-style: chr21-45709596-G-T.
Other names: short protein forms E237*.
Identifiers: ClinVar variation 2989472 (VCV002989472.3), dbSNP rs778067704, ClinGen allele CA410424418.